The following is an entry in ClinVar:

NM_001943.5(DSG2):c.2308G>A (p.Glu770Lys)

Genes: DSG2-AS1 (DSG2 antisense RNA 1; minus strand), DSG2 (desmoglein 2; plus strand). Cytogenetic location: 18q12.1.
Variant type: single nucleotide variant.
Coding change: c.2308G>A on transcript NM_001943.5 (MANE Select); coding-DNA position 2308, G replaced by A.
Protein change: p.Glu770Lys; replaces glutamic acid 770 with lysine.
Molecular consequence: missense variant.
Genome position (GRCh38, 1-based): chr18:31,542,826, G>A. VCF-style: chr18-31542826-G-A. GRCh37 (hg19) VCF-style: chr18-29122789-G-A.
Other names: short protein forms E770K.
Identifiers: ClinVar variation 1970815 (VCV001970815.7), dbSNP rs758742604, ClinGen allele CA045455.

ClinVar aggregate classification (germline): Uncertain significance. Review status: criteria provided, multiple submitters, no conflicts (2 of 4 stars). 2 submissions from 2 submitters: Uncertain significance (2). Last evaluated 2022-09-07.

Conditions:
Cardiomyopathy (CMYO). Also called: Cardiomyopathies. Identifiers: Orphanet 167848, MedGen C0878544, MONDO:0004994, HP:0001638. Inheritance: Various modes of inheritance.
Arrhythmogenic right ventricular dysplasia 10. Also called: Arrhythmogenic Right Ventricular Dysplasia/Cardiomyopathy10; ARRHYTHMOGENIC RIGHT VENTRICULAR DYSPLASIA, FAMILIAL, 10; Arrhythmogenic right ventricular dysplasia/cardiomyopathy, type 10. Identifiers: MedGen C1857777, MONDO:0012434, OMIM 610193.

Allele frequency attached by ClinVar (database versions not stated): ExAC 0.00001.

Submissions (2):

Labcorp Genetics (formerly Invitae), Labcorp
Classification: Uncertain significance for Arrhythmogenic right ventricular dysplasia 10. Last evaluated: 2022-09-07. Review status: criteria provided, single submitter. Criteria: Invitae Variant Classification Sherloc (09022015). Collection method: clinical testing. Allele origin: germline.
Comment: This sequence change replaces glutamic acid, which is acidic and polar, with lysine, which is basic and polar, at codon 770 of the DSG2 protein (p.Glu770Lys). This variant is present in population databases (rs758742604, gnomAD 0.001%). This variant has not been reported in the literature in individuals affected with DSG2-related conditions. Algorithms developed to predict the effect of missense changes on protein structure and function (SIFT, PolyPhen-2, Align-GVGD) all suggest that this variant is likely to be tolerated. In summary, the available evidence is currently insufficient to determine the role of this variant in disease. Therefore, it has been classified as a Variant of Uncertain Significance.

CHEO Genetics Diagnostic Laboratory, Children's Hospital of Eastern Ontario
Classification: Uncertain significance for Cardiomyopathy. Last evaluated: 2022-02-03. Review status: criteria provided, single submitter. Criteria: ACMG Guidelines, 2015. Collection method: clinical testing. Allele origin: germline.